The following is an entry in ClinVar:

ClinVar aggregate classification (germline): Likely benign. Review status: criteria provided, multiple submitters, no conflicts (2 of 4 stars). 3 submissions from 3 submitters: Likely benign (3). Last evaluated 2025-11-01.

Conditions:
THPO-related disorder. Also called: THPO-related condition.

Allele frequency attached by ClinVar (database versions not stated): 1000 Genomes Project 30x 0.00031; TOPMed 0.00040; 1000 Genomes Project 0.00040.
gnomAD v4.1: 282 of 985,534 alleles (0.029%); highest among the groups gnomAD compares: Middle Eastern, 0.1%; no homozygotes.

Submissions (3):

PreventionGenetics, part of Exact Sciences
Classification: Likely benign for THPO-related condition. Last evaluated: 2025-11-01. Review status: criteria provided, single submitter. Criteria: ACMG Guidelines, 2015. Collection method: clinical testing. Allele origin: germline.
Comment: This variant is classified as likely benign based on ACMG/AMP sequence variant interpretation guidelines (Richards et al. 2015 PMID: 25741868, with internal and published modifications).

CeGaT Center for Human Genetics Tuebingen
Classification: Likely benign. Last evaluated: 2025-06-01. Review status: criteria provided, single submitter. Criteria: CeGaT Center For Human Genetics Tuebingen Variant Classification Criteria Version 2. Collection method: clinical testing. Allele origin: germline. Affected: yes. Observed: 2 variant alleles.
Comment: THPO: BP4, BP7

Blueprint Genetics
Classification: Likely benign. Last evaluated: 2024-11-17. Review status: criteria provided, single submitter. Criteria: ACMG Guidelines, 2015. Collection method: clinical testing. Allele origin: germline.

NM_001290003.1(THPO):c.87G>A (p.Lys29=)

Gene: THPO (thrombopoietin; minus strand). Cytogenetic location: 3q27.1.
Variant type: single nucleotide variant.
Coding change: c.87G>A on transcript NM_001290003.1; coding-DNA position 87, G replaced by A.
Protein change: p.Lys29=; no amino-acid change (lysine 29 retained).
Molecular consequence: synonymous variant. On other transcripts: 5 prime UTR variant (4), intron variant (1).
Genome position (GRCh38, 1-based): chr3:184,378,263, C>T on the plus strand (G>A on the coding strand, the complement: THPO is on the minus strand). VCF-style: chr3-184378263-C-T. GRCh37 (hg19) VCF-style: chr3-184096051-C-T.
Other names: c.-334G>A (NM_001289998.1, NM_001290022.1, NM_001290026.1 and 1 more transcripts); c.-146+1328G>A (NM_001290028.1).
Identifiers: ClinVar variation 3234241 (VCV003234241.21), dbSNP rs547811539, ClinGen allele CA88918111.
Genomic context (GRCh38, chr3:184,378,263, plus strand): 5'-CTTCTGCCCAATCAGAGAAGGGAGCCACCAGACACTGGTGAAGGCCCCCGGAAGTGACGC[C>T]TTCTCTTCCCTGGAGCCCCTGCCTGGACCAGGGTCCACTCCTCCACCCACACACACCACG-3'